The following is an entry in ClinVar:

ClinVar aggregate classification (germline): Uncertain significance (1 of 4 stars; one submission).

Submission:

GeneDx
Classification: Uncertain significance. Last evaluated: 2023-04-13. Review status: criteria provided, single submitter. Criteria: GeneDx Variant Classification Process June 2021. Collection method: clinical testing. Allele origin: germline. Affected: yes.
Comment: Has not been previously published as pathogenic or benign to our knowledge; Not observed in large population cohorts (gnomAD); In silico analysis supports that this missense variant has a deleterious effect on protein structure/function; Missense variants in this gene are often considered pathogenic (HGMD)

NM_006306.4(SMC1A):c.2000A>T (p.Asp667Val)

Gene: SMC1A (structural maintenance of chromosomes 1A; minus strand). Cytogenetic location: Xp11.22.
Variant type: single nucleotide variant.
Coding change: c.2000A>T on transcript NM_006306.4 (MANE Select); coding-DNA position 2000, A replaced by T.
Protein change: p.Asp667Val; replaces aspartic acid 667 with valine.
Molecular consequence: missense variant.
Genome position (GRCh38, 1-based): chrX:53,405,303, T>A on the plus strand (A>T on the coding strand, the complement: SMC1A is on the minus strand). VCF-style: chrX-53405303-T-A. GRCh37 (hg19) VCF-style: chrX-53432235-T-A.
Other names: c.1934A>T, p.Asp645Val (NM_001281463.1); short protein forms D645V, D667V.
Identifiers: ClinVar variation 2499449 (VCV002499449.1), dbSNP rs2520927608, ClinGen allele CA413252317.